The following is an entry in ClinVar:

ClinVar aggregate classification (germline): Uncertain significance (1 of 4 stars; one submission).

gnomAD v4.1: 1 of 1,614,164 alleles (0.000062%); highest among the groups gnomAD compares: African/African-American, 0.0013%; no homozygotes.

Submission:

GeneDx
Classification: Uncertain significance. Last evaluated: 2026-02-04. Review status: criteria provided, single submitter. Criteria: GeneDx Variant Classification Process June 2021. Collection method: clinical testing. Allele origin: germline.
Comment: Not observed at significant frequency in large population cohorts (gnomAD); In silico analysis suggests that this missense variant does not alter protein structure/function; Has not been previously published as pathogenic or benign to our knowledge; This variant is associated with the following publications: (PMID: 17676033, 18602572)

NM_139276.3(STAT3):c.707C>G (p.Thr236Arg)

Genes: STAT3 (signal transducer and activator of transcription 3; minus strand), LOC130060888 (ATAC-STARR-seq lymphoblastoid active region 12197; plus strand). Cytogenetic location: 17q21.2.
Variant type: single nucleotide variant.
Coding change: c.707C>G on transcript NM_139276.3 (MANE Select); coding-DNA position 707, C replaced by G.
Protein change: p.Thr236Arg; replaces threonine 236 with arginine.
Molecular consequence: missense variant.
Genome position (GRCh38, 1-based): chr17:42,337,525, G>C on the plus strand (C>G on the coding strand, the complement: STAT3 is on the minus strand). VCF-style: chr17-42337525-G-C. GRCh37 (hg19) VCF-style: chr17-40489543-G-C.
Other names: c.707C>G, p.Thr236Arg (NM_001369512.1, NM_001369513.1, NM_001369514.1 and 15 more transcripts); c.629C>G, p.Thr210Arg (NM_001384985.1); c.611C>G, p.Thr204Arg (NM_001384989.1); short protein forms T204R, T210R, T236R.
Identifiers: ClinVar variation 4975708 (VCV004975708.1).
Genomic context (GRCh38, chr17:42,337,525, plus strand): 5'-GGCGGGCCTCCAATGCAGGCAATCTGTTGCCGCCTCTTCCAGTCAGCCAGCTCCTCGTCC[G>C]TGAGAGTTTTCTGCACGTACTCCATCGCTGACAAAAGCCCCGCCAGCTCACTCACGATGC-3'
Protein context (NP_644805.1, residues 226-246): SAMEYVQKTL[Thr236Arg]DEELADWKRR